The following is an entry in ClinVar:

NM_000264.5(PTCH1):c.1562C>T (p.Ala521Val)

Gene: PTCH1 (patched 1; minus strand). Cytogenetic location: 9q22.32.
Variant type: single nucleotide variant.
Coding change: c.1562C>T on transcript NM_000264.5 (MANE Select); coding-DNA position 1562, C replaced by T.
Protein change: p.Ala521Val; replaces alanine 521 with valine.
Molecular consequence: missense variant. On other transcripts: non-coding transcript variant (1).
Genome position (GRCh38, 1-based): chr9:95,476,799, G>A on the plus strand (C>T on the coding strand, the complement: PTCH1 is on the minus strand). VCF-style: chr9-95476799-G-A. GRCh37 (hg19) VCF-style: chr9-98239081-G-A.
Other names: c.1364C>T, p.Ala455Val (NM_001083602.3); c.1559C>T, p.Ala520Val (NM_001083603.3); c.1109C>T, p.Ala370Val (NM_001083604.3, NM_001083605.3, NM_001083606.3 and 1 more transcripts); c.1406C>T, p.Ala469Val (NM_001354918.2); short protein forms A455V, A521V, A520V, A370V, A469V.
Identifiers: ClinVar variation 524564 (VCV000524564.16), dbSNP rs755139183, ClinGen allele CA5138621.

ClinVar aggregate classification (germline): Uncertain significance. Review status: criteria provided, multiple submitters, no conflicts (2 of 4 stars). 3 submissions from 3 submitters: Uncertain significance (3). Last evaluated 2025-10-02.

Conditions:
Hereditary cancer-predisposing syndrome. Also called: Neoplastic Syndromes, Hereditary; Tumor predisposition; Hereditary Cancer Syndrome; Hereditary neoplastic syndrome. Identifiers: Orphanet 140162, MedGen C0027672, MeSH D009386, MONDO:0015356.
Basal cell carcinoma, susceptibility to, 1. Also called: BCC1. Identifiers: MedGen C2751544, MONDO:0011556, OMIM 605462.
Gorlin syndrome. Also called: Nevoid Basal Cell Carcinoma Syndrome; Basal cell nevus syndrome. Identifiers: Orphanet 377, MedGen C0004779, MONDO:0007187.

Allele frequency attached by ClinVar (database versions not stated): gnomAD exomes below 0.00001; ExAC 0.00001.
gnomAD v4.1: 4 of 1,614,072 alleles (0.00025%); highest among the groups gnomAD compares: Non-Finnish European, 0.00034%; no homozygotes.

Submissions (3):

Ambry Genetics
Classification: Uncertain significance for Hereditary cancer-predisposing syndrome. Last evaluated: 2025-10-02. Review status: criteria provided, single submitter. Criteria: Ambry Variant Classification Scheme 2023. Collection method: clinical testing. Allele origin: germline.
Comment: The p.A521V variant (also known as c.1562C>T), located in coding exon 11 of the PTCH1 gene, results from a C to T substitution at nucleotide position 1562. The alanine at codon 521 is replaced by valine, an amino acid with similar properties. This amino acid position is highly conserved in available vertebrate species. In addition, this alteration is predicted to be deleterious by in silico analysis. Since supporting evidence is limited at this time, the clinical significance of this alteration remains unclear.

Labcorp Genetics (formerly Invitae), Labcorp
Classification: Uncertain significance for Gorlin syndrome. Last evaluated: 2025-10-02. Review status: criteria provided, single submitter. Criteria: Invitae Variant Classification Sherloc (09022015). Collection method: clinical testing. Allele origin: germline.
Comment: This sequence change replaces alanine, which is neutral and non-polar, with valine, which is neutral and non-polar, at codon 521 of the PTCH1 protein (p.Ala521Val). This variant is present in population databases (rs755139183, gnomAD 0.0009%). This variant has not been reported in the literature in individuals affected with PTCH1-related conditions. ClinVar contains an entry for this variant (Variation ID: 524564). Invitae Evidence Modeling of protein sequence and biophysical properties (such as structural, functional, and spatial information, amino acid conservation, physicochemical variation, residue mobility, and thermodynamic stability) has been performed for this missense variant. However, the output from this modeling did not meet the statistical confidence thresholds required to predict the impact of this variant on PTCH1 protein function. In summary, the available evidence is currently insufficient to determine the role of this variant in disease. Therefore, it has been classified as a Variant of Uncertain Significance.

Baylor Genetics
Classification: Uncertain significance for Basal cell carcinoma, susceptibility to, 1. Last evaluated: 2024-01-06. Review status: criteria provided, single submitter. Criteria: ACMG Guidelines, 2015. Collection method: clinical testing. Allele origin: unknown.